The following is an entry in ClinVar:

ClinVar aggregate classification (germline): Uncertain significance. Review status: criteria provided, multiple submitters, no conflicts (2 of 4 stars). 4 submissions from 4 submitters: Uncertain significance (4). Last evaluated 2025-11-24.

Conditions:
Hereditary cancer-predisposing syndrome. Also called: Hereditary neoplastic syndrome; Hereditary Cancer Syndrome; Neoplastic Syndromes, Hereditary; Tumor predisposition. Identifiers: Orphanet 140162, MedGen C0027672, MeSH D009386, MONDO:0015356.
Familial cancer of breast. Also called: Hereditary breast cancer; BREAST CANCER, FAMILIAL; hereditary breast carcinoma. Identifiers: Orphanet 227535, MedGen C0346153, MONDO:0016419, OMIM 114480. Disease mechanism: loss of function.

Allele frequency attached by ClinVar (database versions not stated): gnomAD exomes below 0.00001.
gnomAD v4.1: 3 of 1,614,238 alleles (0.00019%); highest among the groups gnomAD compares: Non-Finnish European, 0.00017%; no homozygotes.

Submissions (4):

Labcorp Genetics (formerly Invitae), Labcorp
Classification: Uncertain significance for Familial cancer of breast. Last evaluated: 2025-11-24. Review status: criteria provided, single submitter. Criteria: Invitae Variant Classification Sherloc (09022015). Collection method: clinical testing. Allele origin: germline.
Comment: This sequence change replaces glutamine, which is neutral and polar, with proline, which is neutral and non-polar, at codon 730 of the BARD1 protein (p.Gln730Pro). This variant is not present in population databases (gnomAD no frequency). This missense change has been observed in individual(s) with breast cancer or neuroblastoma (PMID: 27009842, 29752822). ClinVar contains an entry for this variant (Variation ID: 229888). An algorithm developed to predict the effect of missense changes on protein structure and function (PolyPhen-2) suggests that this variant is likely to be disruptive. In summary, the available evidence is currently insufficient to determine the role of this variant in disease. Therefore, it has been classified as a Variant of Uncertain Significance.

Ambry Genetics
Classification: Uncertain significance for Hereditary cancer-predisposing syndrome. Last evaluated: 2025-02-10. Review status: criteria provided, single submitter. Criteria: Ambry Variant Classification Scheme 2023. Collection method: clinical testing. Allele origin: germline.
Comment: The p.Q730P variant (also known as c.2189A>C), located in coding exon 11 of the BARD1 gene, results from an A to C substitution at nucleotide position 2189. The glutamine at codon 730 is replaced by proline, an amino acid with similar properties. This variant was reported in a cohort of Chinese patients at a high risk for breast cancer (Li JY et al. Int. J. Cancer. 2019 01;144:281-289). Additionally, this alteration was identified in an individual diagnosed with breast cancer (Weber-Lassalle N et al. Breast Cancer Res, 2019 04;21:55). This alteration was also seen in 0/732 breast cancer patients, 1/189 colorectal cancer patients and 0/490 cancer-free elderly controls in a Turkish population (Akcay IM et al. Int J Cancer, 2021 01;148:285-295). This amino acid position is highly conserved in available vertebrate species. In addition, this alteration is predicted to be deleterious by in silico analysis. Based on the available evidence, the clinical significance of this variant remains unclear.

Color Diagnostics, LLC DBA Color Health
Classification: Uncertain significance for Hereditary cancer-predisposing syndrome. Last evaluated: 2019-03-19. Review status: criteria provided, single submitter. Criteria: ACMG Guidelines, 2015. Collection method: clinical testing. Allele origin: germline.

Illumina Laboratory Services, Illumina
Classification: Uncertain significance for Familial cancer of breast. Last evaluated: 2018-01-13. Review status: criteria provided, single submitter. Criteria: ICSL Variant Classification Criteria 13 December 2019. Collection method: clinical testing. Allele origin: germline.

Literature cited by the submitters: PubMed 27009842 (cited by Labcorp Genetics (formerly Invitae), Labcorp); PubMed 29752822 (cited by Labcorp Genetics (formerly Invitae), Labcorp and Ambry Genetics); PubMed 31036035 (cited by Ambry Genetics); PubMed 32658311 (cited by Ambry Genetics).

NM_000465.4(BARD1):c.2189A>C (p.Gln730Pro)

Gene: BARD1 (BRCA1 associated RING domain 1; minus strand). Cytogenetic location: 2q35.
Variant type: single nucleotide variant.
Coding change: c.2189A>C on transcript NM_000465.4 (MANE Select); coding-DNA position 2189, A replaced by C.
Protein change: p.Gln730Pro; replaces glutamine 730 with proline.
Molecular consequence: missense variant. On other transcripts: non-coding transcript variant (3).
Genome position (GRCh38, 1-based): chr2:214,728,821, T>G on the plus strand (A>C on the coding strand, the complement: BARD1 is on the minus strand). VCF-style: chr2-214728821-T-G. GRCh37 (hg19) VCF-style: chr2-215593545-T-G.
Other names: c.2132A>C, p.Gln711Pro (NM_001282543.2); c.836A>C, p.Gln279Pro (NM_001282545.2); c.779A>C, p.Gln260Pro (NM_001282548.2); c.650A>C, p.Gln217Pro (NM_001282549.2); short protein forms Q730P, Q217P, Q260P, Q279P, Q711P.
Identifiers: ClinVar variation 229888 (VCV000229888.22), dbSNP rs876658253, ClinGen allele CA10577763.
Genomic context (GRCh38, chr2:214,728,821, plus strand): 5'-ACCCTCTCTGGGTGATAATTACACAAATCTTCATAGATGATATACTGTGTGCAGAAGCGC[T>G]GATCAGAATCGGGTCTCGCATGGTATGCGACTGTATTGATGGTCTGAGTCACGTCACTGT-3'
Protein context (NP_000456.2, residues 720-740): VAYHARPDSD[Gln730Pro]RFCTQYIIYE